The following is an entry in ClinVar:

NM_024740.2(ALG9):c.691G>A (p.Ala231Thr)

Gene: ALG9 (ALG9 alpha-1,2-mannosyltransferase; minus strand). Cytogenetic location: 11q23.1.
Variant type: single nucleotide variant.
Coding change: c.691G>A on transcript NM_024740.2 (MANE Select); coding-DNA position 691, G replaced by A.
Protein change: p.Ala231Thr; replaces alanine 231 with threonine.
Molecular consequence: missense variant. On other transcripts: non-coding transcript variant (1).
Genome position (GRCh38, 1-based): chr11:111,857,612, C>T on the plus strand (G>A on the coding strand, the complement: ALG9 is on the minus strand). VCF-style: chr11-111857612-C-T. GRCh37 (hg19) VCF-style: chr11-111728335-C-T.
Other names: c.691G>A, p.Ala231Thr (NM_001077690.1, NM_001352417.1, NM_001352418.1); c.178G>A, p.Ala60Thr (NM_001077691.2, NM_001077692.2, NM_001352409.1 and 11 more transcripts); c.103G>A, p.Ala35Thr (NM_001352422.2); short protein forms A35T, A231T, A60T.
Identifiers: ClinVar variation 2000304 (VCV002000304.4), dbSNP rs782361714, ClinGen allele CA6274605.

ClinVar aggregate classification (germline): Uncertain significance (1 of 4 stars; one submission).

Conditions:
ALG9 congenital disorder of glycosylation (CDG1L). Also called: CONGENITAL DISORDER OF GLYCOSYLATION, TYPE Il; ALG9-CDG; CDG Il. Identifiers: Orphanet 79328, MedGen C2931006, MONDO:0012117, OMIM 608776.

Allele frequency attached by ClinVar (database versions not stated): gnomAD exomes 0.00001; ExAC 0.00002.
gnomAD v4.1: 4 of 1,614,126 alleles (0.00025%); highest among the groups gnomAD compares: Non-Finnish European, 0.00025%; no homozygotes.

Submission:

Labcorp Genetics (formerly Invitae), Labcorp
Classification: Uncertain significance for ALG9 congenital disorder of glycosylation. Last evaluated: 2022-06-16. Review status: criteria provided, single submitter. Criteria: Invitae Variant Classification Sherloc (09022015). Collection method: clinical testing. Allele origin: germline.
Comment: This variant has not been reported in the literature in individuals affected with ALG9-related conditions. This variant is present in population databases (rs782361714, gnomAD 0.004%). This sequence change replaces alanine, which is neutral and non-polar, with threonine, which is neutral and polar, at codon 231 of the ALG9 protein (p.Ala231Thr). In summary, the available evidence is currently insufficient to determine the role of this variant in disease. Therefore, it has been classified as a Variant of Uncertain Significance. Experimental studies and prediction algorithms are not available or were not evaluated, and the functional significance of this variant is currently unknown.